The following is an entry in ClinVar:

ClinVar aggregate classification (germline): Likely pathogenic (1 of 4 stars; one submission).

Allele frequency attached by ClinVar (database versions not stated): gnomAD exomes below 0.00001.
gnomAD v4.1: 1 of 1,613,836 alleles (0.000062%); highest among the groups gnomAD compares: Non-Finnish European, 0.000085%; no homozygotes.

Submission:

Labcorp Genetics (formerly Invitae), Labcorp
Classification: Likely pathogenic. Last evaluated: 2021-06-30. Review status: criteria provided, single submitter. Criteria: Invitae Variant Classification Sherloc (09022015). Collection method: clinical testing. Allele origin: germline.
Comment: This sequence change affects a donor splice site in intron 12 of the USH2A gene. It is expected to disrupt RNA splicing. Variants that disrupt the donor or acceptor splice site typically lead to a loss of protein function (PMID: 16199547), and loss-of-function variants in USH2A are known to be pathogenic (PMID: 10729113, 10909849, 20507924, 25649381). This variant is not present in population databases (ExAC no frequency). Disruption of this splice site has been observed in individual(s) with Retinitis pigmentosa (PMID: 29641573, 31054281). Algorithms developed to predict the effect of sequence changes on RNA splicing suggest that this variant may disrupt the consensus splice site. In summary, the currently available evidence indicates that the variant is pathogenic, but additional data are needed to prove that conclusively. Therefore, this variant has been classified as Likely Pathogenic.

Literature cited by the submitters: PubMed 16199547; PubMed 10729113; PubMed 10909849; PubMed 20507924; PubMed 25649381; PubMed 29641573; PubMed 31054281.

NM_206933.4(USH2A):c.2167+1G>A

Gene: USH2A (usherin; minus strand). Cytogenetic location: 1q41.
Variant type: single nucleotide variant.
Coding change: c.2167+1G>A on transcript NM_206933.4 (MANE Select); the canonical splice donor site of the intron after coding-DNA position 2167, G replaced by A.
Molecular consequence: splice donor variant.
Genome position (GRCh38, 1-based): chr1:216,250,902, C>T on the plus strand (G>A on the coding strand, the complement: USH2A is on the minus strand). VCF-style: chr1-216250902-C-T. GRCh37 (hg19) VCF-style: chr1-216424244-C-T.
Other names: c.2167+1G>A (NM_007123.6).
Identifiers: ClinVar variation 1483572 (VCV001483572.6), dbSNP rs2102551610, ClinGen allele CA344866016.